The following is an entry in ClinVar:

ClinVar aggregate classification (germline): Benign/Likely benign. Review status: criteria provided, multiple submitters, no conflicts (2 of 4 stars). 4 submissions from 4 submitters: Benign (1); Likely benign (3). Last evaluated 2025-10-02.

Conditions:
Hereditary cancer-predisposing syndrome. Also called: Tumor predisposition; Hereditary Cancer Syndrome; Neoplastic Syndromes, Hereditary; Hereditary neoplastic syndrome. Identifiers: Orphanet 140162, MedGen C0027672, MeSH D009386, MONDO:0015356.
Hereditary nonpolyposis colorectal neoplasms. Identifiers: MedGen C0009405, MeSH D003123.
Lynch syndrome 4 (LYNCH4). Also called: Colorectal cancer, hereditary nonpolyposis, type 4; Hereditary non-polyposis colorectal cancer, type 4. Identifiers: Orphanet 144, MedGen C1838333, MONDO:0013699, OMIM 614337. Disease mechanism: loss of function.

Submissions (4):

Labcorp Genetics (formerly Invitae), Labcorp
Classification: Likely benign for Hereditary nonpolyposis colorectal neoplasms. Last evaluated: 2025-10-02. Review status: criteria provided, single submitter. Criteria: Invitae Variant Classification Sherloc (09022015). Collection method: clinical testing. Allele origin: germline.

Myriad Genetics, Inc.
Classification: Benign for Lynch syndrome 4. Last evaluated: 2025-02-04. Review status: criteria provided, single submitter. Criteria: Myriad Autosomal Dominant, Autosomal Recessive and X-Linked Classification Criteria (2023). Collection method: clinical testing. Allele origin: unknown.
Comment: This variant is considered benign. This variant is a silent/synonymous amino acid change and it is not expected to impact splicing.

Color Diagnostics, LLC DBA Color Health
Classification: Likely benign for Hereditary cancer-predisposing syndrome. Last evaluated: 2023-04-17. Review status: criteria provided, single submitter. Criteria: ACMG Guidelines, 2015. Collection method: clinical testing. Allele origin: germline.

Ambry Genetics
Classification: Likely benign for Hereditary cancer-predisposing syndrome. Last evaluated: 2019-04-10. Review status: criteria provided, single submitter. Criteria: Ambry Variant Classification Scheme 2023. Collection method: clinical testing. Allele origin: germline.

NM_000535.7(PMS2):c.2547C>T (p.Thr849=)

Gene: PMS2 (PMS1 homolog 2, mismatch repair system component; minus strand). Cytogenetic location: 7p22.1.
Variant type: single nucleotide variant.
Coding change: c.2547C>T on transcript NM_000535.7 (MANE Select); coding-DNA position 2547, C replaced by T.
Protein change: p.Thr849=; no amino-acid change (threonine 849 retained).
Molecular consequence: synonymous variant. On other transcripts: non-coding transcript variant (1).
Genome position (GRCh38, 1-based): chr7:5,973,441, G>A on the plus strand (C>T on the coding strand, the complement: PMS2 is on the minus strand). VCF-style: chr7-5973441-G-A. GRCh37 (hg19) VCF-style: chr7-6013072-G-A.
Other names: c.2142C>T, p.Thr714= (NM_001406894.1, NM_001406895.1, NM_001406898.1 and 12 more transcripts); c.2391C>T, p.Thr797= (NM_001322006.2); c.2229C>T, p.Thr743= (NM_001322007.2, NM_001322008.2, NM_001406883.1); c.2175C>T, p.Thr725= (NM_001322009.2, NM_001406887.1, NM_001406888.1); c.1986C>T, p.Thr662= (NM_001322010.2, NM_001406906.1, NM_001406907.1); c.1614C>T, p.Thr538= (NM_001322011.2, NM_001322012.2); c.1974C>T, p.Thr658= (NM_001322013.2, NM_001406908.1, NM_001406909.1); c.2580C>T, p.Thr860= (NM_001322014.2); and 20 more.
Identifiers: ClinVar variation 1792894 (VCV001792894.9), dbSNP rs876660072, ClinGen allele CA453642027.